The following is an entry in ClinVar:

NM_020795.4(NLGN2):c.778A>G (p.Thr260Ala)

Gene: NLGN2 (neuroligin 2; plus strand). Cytogenetic location: 17p13.1.
Variant type: single nucleotide variant.
Coding change: c.778A>G on transcript NM_020795.4 (MANE Select); coding-DNA position 778, A replaced by G.
Protein change: p.Thr260Ala; replaces threonine 260 with alanine.
Molecular consequence: missense variant.
Genome position (GRCh38, 1-based): chr17:7,414,782, A>G. VCF-style: chr17-7414782-A-G. GRCh37 (hg19) VCF-style: chr17-7318101-A-G.
Other names: short protein forms T260A.
Identifiers: ClinVar variation 2581792 (VCV002581792.1), dbSNP rs2507738668, ClinGen allele CA397821460.
Genomic context (GRCh38, chr17:7,414,782, plus strand): 5'-CAGGCCCTGCGCTGGCTCAGTGAAAACATCGCCCACTTTGGGGGCGACCCCGAGCGTATC[A>G]CCATCTTTGGTTCCGGGGCAGGGGCCTCCTGCGTCAACCTTCTGATCCTCTCCCACCATT-3'
Protein context (NP_065846.1, residues 250-270): AHFGGDPERI[Thr260Ala]IFGSGAGASC

ClinVar aggregate classification (germline): Uncertain significance (1 of 4 stars; one submission).

Submission:

GeneDx
Classification: Uncertain significance. Last evaluated: 2023-03-25. Review status: criteria provided, single submitter. Criteria: GeneDx Variant Classification Process June 2021. Collection method: clinical testing. Allele origin: germline. Affected: yes.
Comment: Not observed at significant frequency in large population cohorts (gnomAD); In silico analysis supports that this missense variant has a deleterious effect on protein structure/function; Has not been previously published as pathogenic or benign to our knowledge